The following is an entry in ClinVar:

NM_018006.5(TRMU):c.910_914dup (p.Arg306fs)

Gene: TRMU (tRNA mitochondrial 2-thiouridylase; plus strand). Cytogenetic location: 22q13.31.
Variant type: Duplication.
Coding change: c.910_914dup on transcript NM_018006.5 (MANE Select); coding-DNA positions 910 to 914, 5 bases duplicated (CTGCT; older notation c.910_914dupCTGCT).
Protein change: p.Arg306fs; shifts the reading frame from arginine 306.
Molecular consequence: frameshift variant. On other transcripts: non-coding transcript variant (2).
Genome position (GRCh38, 1-based): chr22:46,355,480-46,355,484, CTGCT duplicated. VCF-style (leftmost placement, unchanged base first): chr22-46355479-C-CCTGCT. GRCh37 (hg19) VCF-style: chr22-46751376-C-CCTGCT.
Other names: c.568_572dup, p.Arg192fs (NM_001282782.2); c.490_494dup, p.Arg166fs (NM_001282783.2, NM_001282784.2); c.910_914dup, p.Arg306fs (NM_001282785.2); short protein forms R166fs, R192fs, R306fs.
Identifiers: ClinVar variation 5012475 (VCV005012475.1).

ClinVar aggregate classification (germline): Pathogenic (1 of 4 stars; one submission).

Conditions:
Acute infantile liver failure due to synthesis defect of mtDNA-encoded proteins. Also called: Liver failure acute infantile; LIVER FAILURE, INFANTILE, TRANSIENT; TRMU Deficiency. Identifiers: Orphanet 217371, MedGen C3278664, MONDO:0013111, OMIM 613070.

Submission:

Myriad Genetics, Inc.
Classification: Pathogenic for Acute infantile liver failure due to synthesis defect of mtDNA-encoded proteins. Last evaluated: 2023-11-12. Review status: criteria provided, single submitter. Criteria: Myriad Autosomal Dominant, Autosomal Recessive and X-Linked Classification Criteria (2023). Collection method: clinical testing. Allele origin: unknown.
Comment: NM_018006.4(TRMU):c.910_914dup5(R306Cfs*2) is expected to be pathogenic in the context of acute liver failure, TRMU-related. This variant is predicted to lead to an abnormal or absent protein product due to the creation of a premature termination codon in TRMU, a gene where loss-of-function variants are known to be pathogenic. Please note: this variant was assessed in the context of healthy population screening.